The following is an entry in ClinVar:

NM_206933.4(USH2A):c.15412C>T (p.Gln5138Ter)

Gene: USH2A (usherin; minus strand). Cytogenetic location: 1q41.
Variant type: single nucleotide variant.
Coding change: c.15412C>T on transcript NM_206933.4 (MANE Select); coding-DNA position 15412, C replaced by T.
Protein change: p.Gln5138Ter; replaces glutamine 5138 with a stop codon.
Molecular consequence: nonsense.
Genome position (GRCh38, 1-based): chr1:215,628,921, G>A on the plus strand (C>T on the coding strand, the complement: USH2A is on the minus strand). VCF-style: chr1-215628921-G-A. GRCh37 (hg19) VCF-style: chr1-215802263-G-A.
Other names: short protein forms Q5138*.
Identifiers: ClinVar variation 557069 (VCV000557069.9), dbSNP rs763463859, ClinGen allele CA37369146.

ClinVar aggregate classification (germline): Pathogenic/Likely pathogenic. Review status: criteria provided, multiple submitters, no conflicts (2 of 4 stars). 4 submissions from 4 submitters: Pathogenic (1); Likely pathogenic (2). 1 of the submissions does not count toward it. Last evaluated 2024-01-26.

Conditions:
Retinitis pigmentosa 39 (RP39). Identifiers: Orphanet 791, MedGen C3151138, MONDO:0013436, OMIM 613809.
Usher syndrome type 2A. Also called: RETINAL DISEASE IN USHER SYNDROME TYPE IIA, MODIFIER OF; USHER SYNDROME, TYPE IIA. Identifiers: Orphanet 231178, Orphanet 886, MedGen C1848634, MONDO:0010169, OMIM 276901.

Allele frequency attached by ClinVar (database versions not stated): gnomAD exomes below 0.00001.
gnomAD v4.1: 2 of 1,614,164 alleles (0.00012%); highest among the groups gnomAD compares: South Asian, 0.0022%; no homozygotes.

Submissions (4):

Labcorp Genetics (formerly Invitae), Labcorp
Classification: Pathogenic. Last evaluated: 2024-01-26. Review status: criteria provided, single submitter. Criteria: Invitae Variant Classification Sherloc (09022015). Collection method: clinical testing. Allele origin: germline.
Comment: This sequence change creates a premature translational stop signal (p.Gln5138*) in the USH2A gene. It is expected to result in an absent or disrupted protein product. Loss-of-function variants in USH2A are known to be pathogenic (PMID: 10729113, 10909849, 20507924, 25649381). This variant is not present in population databases (gnomAD no frequency). This premature translational stop signal has been observed in individual(s) with retinitis pigmentosa (PMID: 32675063). ClinVar contains an entry for this variant (Variation ID: 557069). Algorithms developed to predict the effect of sequence changes on RNA splicing suggest that this variant may disrupt the consensus splice site. For these reasons, this variant has been classified as Pathogenic.

Baylor Genetics
Classification: Likely pathogenic for Retinitis pigmentosa 39. Last evaluated: 2023-12-01. Review status: criteria provided, single submitter. Criteria: ACMG Guidelines, 2015. Collection method: clinical testing. Allele origin: unknown.

Juno Genomics, Hangzhou Juno Genomics, Inc
Classification: Likely pathogenic for Retinitis pigmentosa 39; Usher syndrome type 2A. Review status: criteria provided, single submitter. Criteria: ACMG Guidelines, 2015. Collection method: clinical testing. Allele origin: germline.
Comment: Null variant in a gene where loss of function (LOF) is a known mechanism of disease.;Absent from controls (or at extremely low frequency if recessive) in Genome Aggregation Database.

Counsyl
Classification: Likely pathogenic for Usher syndrome type 2A; Retinitis pigmentosa 39. Last evaluated: 2018-03-09. Review status: no assertion criteria provided. Collection method: clinical testing. Allele origin: unknown. Not counted in ClinVar's aggregate classification.

Literature cited by the submitters: PubMed 10729113 (cited by Labcorp Genetics (formerly Invitae), Labcorp); PubMed 10909849 (cited by Labcorp Genetics (formerly Invitae), Labcorp); PubMed 20507924 (cited by Labcorp Genetics (formerly Invitae), Labcorp); PubMed 25649381 (cited by Labcorp Genetics (formerly Invitae), Labcorp); PubMed 32675063 (cited by Labcorp Genetics (formerly Invitae), Labcorp).